The following is an entry in ClinVar:

NM_004304.5(ALK):c.4698G>C (p.Met1566Ile)

Gene: ALK (ALK receptor tyrosine kinase; minus strand). Cytogenetic location: 2p23.2.
Variant type: single nucleotide variant.
Coding change: c.4698G>C on transcript NM_004304.5 (MANE Select); coding-DNA position 4698, G replaced by C.
Protein change: p.Met1566Ile; replaces methionine 1566 with isoleucine.
Molecular consequence: missense variant.
Genome position (GRCh38, 1-based): chr2:29,193,389, C>G on the plus strand (G>C on the coding strand, the complement: ALK is on the minus strand). VCF-style: chr2-29193389-C-G. GRCh37 (hg19) VCF-style: chr2-29416255-C-G.
Other names: c.1494G>C, p.Met498Ile (NM_001353765.2); short protein forms M1566I, M498I.
Identifiers: ClinVar variation 3223912 (VCV003223912.3), dbSNP rs1291120133, ClinGen allele CA346460434.

ClinVar aggregate classification (germline): Uncertain significance. Review status: criteria provided, multiple submitters, no conflicts (2 of 4 stars). 2 submissions from 2 submitters: Uncertain significance (2). Last evaluated 2024-12-17.

Conditions:
Hereditary cancer-predisposing syndrome. Also called: Hereditary Cancer Syndrome; Tumor predisposition; Neoplastic Syndromes, Hereditary; Hereditary neoplastic syndrome. Identifiers: Orphanet 140162, MedGen C0027672, MeSH D009386, MONDO:0015356.
Neuroblastoma, susceptibility to, 3. Also called: ALK-Related Neuroblastic Tumor Susceptibility. Identifiers: Orphanet 635, MedGen C2751681, MONDO:0013083, OMIM 613014.

Submissions (2):

Labcorp Genetics (formerly Invitae), Labcorp
Classification: Uncertain significance for Neuroblastoma, susceptibility to, 3. Last evaluated: 2024-12-17. Review status: criteria provided, single submitter. Criteria: Invitae Variant Classification Sherloc (09022015). Collection method: clinical testing. Allele origin: germline.
Comment: This sequence change replaces methionine, which is neutral and non-polar, with isoleucine, which is neutral and non-polar, at codon 1566 of the ALK protein (p.Met1566Ile). This variant is not present in population databases (gnomAD no frequency). This variant has not been reported in the literature in individuals affected with ALK-related conditions. ClinVar contains an entry for this variant (Variation ID: 3223912). An algorithm developed to predict the effect of missense changes on protein structure and function outputs the following: PolyPhen-2: "Benign". The isoleucine amino acid residue is found in multiple mammalian species, which suggests that this missense change does not adversely affect protein function. In summary, the available evidence is currently insufficient to determine the role of this variant in disease. Therefore, it has been classified as a Variant of Uncertain Significance.

Ambry Genetics
Classification: Uncertain significance for Hereditary cancer-predisposing syndrome. Last evaluated: 2024-01-01. Review status: criteria provided, single submitter. Criteria: Ambry Variant Classification Scheme 2023. Collection method: clinical testing. Allele origin: germline.
Comment: The p.M1566I variant (also known as c.4698G>C), located in coding exon 29 of the ALK gene, results from a G to C substitution at nucleotide position 4698. The methionine at codon 1566 is replaced by isoleucine, an amino acid with highly similar properties. This amino acid position is conserved. In addition, this alteration is predicted to be tolerated by in silico analysis. Since supporting evidence is limited at this time, the clinical significance of this alteration remains unclear.